The following is an entry in ClinVar:

NM_001130823.3(DNMT1):c.4075G>A (p.Val1359Met)

Gene: DNMT1 (DNA methyltransferase 1; minus strand). Cytogenetic location: 19p13.2.
Variant type: single nucleotide variant.
Coding change: c.4075G>A on transcript NM_001130823.3 (MANE Select); coding-DNA position 4075, G replaced by A.
Protein change: p.Val1359Met; replaces valine 1359 with methionine.
Molecular consequence: missense variant.
Genome position (GRCh38, 1-based): chr19:10,138,479, C>T on the plus strand (G>A on the coding strand, the complement: DNMT1 is on the minus strand). VCF-style: chr19-10138479-C-T. GRCh37 (hg19) VCF-style: chr19-10249155-C-T.
Other names: c.4027G>A, p.Val1343Met (NM_001318730.2, NM_001379.4); c.3712G>A, p.Val1238Met (NM_001318731.2); short protein forms V1238M, V1343M, V1359M.
Identifiers: ClinVar variation 2726576 (VCV002726576.10), dbSNP rs765098980, ClinGen allele CA9187603.

ClinVar aggregate classification (germline): Uncertain significance. Review status: criteria provided, multiple submitters, no conflicts (2 of 4 stars). 2 submissions from 2 submitters: Uncertain significance (2). Last evaluated 2025-03-01.

Conditions:
Hereditary sensory neuropathy-deafness-dementia syndrome. Also called: Hereditary sensory neuropathy type IE; HSN IE; NEUROPATHY, HEREDITARY SENSORY, WITH HEARING LOSS AND DEMENTIA; Hereditary Sensory and Autonomic Neuropathy Type 1E (HSAN1E). Identifiers: Orphanet 456318, MedGen C3279885, MONDO:0013584, OMIM 614116.

Allele frequency attached by ClinVar (database versions not stated): gnomAD exomes below 0.00001; ExAC 0.00001.
gnomAD v4.1: 6 of 1,613,948 alleles (0.00037%); highest among the groups gnomAD compares: South Asian, 0.0011%; no homozygotes.

Submissions (2):

CeGaT Center for Human Genetics Tuebingen
Classification: Uncertain significance. Last evaluated: 2025-03-01. Review status: criteria provided, single submitter. Criteria: CeGaT Center For Human Genetics Tuebingen Variant Classification Criteria Version 2. Collection method: clinical testing. Allele origin: germline. Affected: yes. Observed: 1 variant allele.
Comment: DNMT1: PM2, PP3

Labcorp Genetics (formerly Invitae), Labcorp
Classification: Uncertain significance for Hereditary sensory neuropathy-deafness-dementia syndrome. Last evaluated: 2022-11-07. Review status: criteria provided, single submitter. Criteria: Invitae Variant Classification Sherloc (09022015). Collection method: clinical testing. Allele origin: germline.
Comment: This sequence change replaces valine, which is neutral and non-polar, with methionine, which is neutral and non-polar, at codon 1359 of the DNMT1 protein (p.Val1359Met). This variant is present in population databases (rs765098980, gnomAD 0.003%). This variant has not been reported in the literature in individuals affected with DNMT1-related conditions. Advanced modeling of protein sequence and biophysical properties (such as structural, functional, and spatial information, amino acid conservation, physicochemical variation, residue mobility, and thermodynamic stability) has been performed at Invitae for this missense variant, however the output from this modeling did not meet the statistical confidence thresholds required to predict the impact of this variant on DNMT1 protein function. In summary, the available evidence is currently insufficient to determine the role of this variant in disease. Therefore, it has been classified as a Variant of Uncertain Significance.